The following is an entry in ClinVar:

ClinVar aggregate classification (germline): Uncertain significance (1 of 4 stars; one submission).

Conditions:
TTN-related disorder. Also called: TTN-related disorders; TTN-related condition; TTN-related disease.

gnomAD v4.1: 6 of 1,601,642 alleles (0.00037%); highest among the groups gnomAD compares: East Asian, 0.0022%; no homozygotes.

Submission:

PreventionGenetics, part of Exact Sciences
Classification: Uncertain significance for TTN-related condition. Last evaluated: 2026-02-11. Review status: criteria provided, single submitter. Criteria: ACMG Guidelines, 2015. Collection method: clinical testing. Allele origin: germline.
Comment: The TTN c.26840G>A variant is predicted to result in the amino acid substitution p.Cys8947Tyr. To our knowledge, this variant has not been reported in the literature or in a large population database (gnomAD), indicating this variant is rare. At this time, the clinical significance of this variant is uncertain due to the absence of conclusive functional and genetic evidence.

NM_001267550.2(TTN):c.26840G>A (p.Cys8947Tyr)

Gene: TTN (titin; minus strand). Cytogenetic location: 2q31.2.
Variant type: single nucleotide variant.
Coding change: c.26840G>A on transcript NM_001267550.2 (MANE Select); coding-DNA position 26840, G replaced by A.
Protein change: p.Cys8947Tyr; replaces cysteine 8947 with tyrosine.
Molecular consequence: missense variant. On other transcripts: intron variant (3).
Genome position (GRCh38, 1-based): chr2:178,713,294, C>T on the plus strand (G>A on the coding strand, the complement: TTN is on the minus strand). VCF-style: chr2-178713294-C-T. GRCh37 (hg19) VCF-style: chr2-179578021-C-T.
Other names: c.25889G>A, p.Cys8630Tyr (NM_001256850.1); c.23108G>A, p.Cys7703Tyr (NM_133378.4); c.13282+24788G>A (NM_003319.4); c.13858+24788G>A (NM_133437.4); c.13657+24788G>A (NM_133432.3); short protein forms C8947Y, C7703Y, C8630Y.
Identifiers: ClinVar variation 4985284 (VCV004985284.1).